The following is an entry in ClinVar:

ClinVar aggregate classification (germline): Uncertain significance (1 of 4 stars; one submission).

Conditions:
Wilms tumor 1 (WT1). Also called: Wilms tumor, somatic. Identifiers: Orphanet 654, MedGen CN033288, MONDO:0008679, OMIM 194070.

Submission:

Labcorp Genetics (formerly Invitae), Labcorp
Classification: Uncertain significance for Wilms tumor 1. Last evaluated: 2022-07-11. Review status: criteria provided, single submitter. Criteria: Invitae Variant Classification Sherloc (09022015). Collection method: clinical testing. Allele origin: germline.
Comment: This sequence change replaces alanine, which is neutral and non-polar, with threonine, which is neutral and polar, at codon 33 of the GPC3 protein (p.Ala33Thr). This variant is not present in population databases (gnomAD no frequency). This variant has not been reported in the literature in individuals affected with GPC3-related conditions. Algorithms developed to predict the effect of missense changes on protein structure and function are either unavailable or do not agree on the potential impact of this missense change (SIFT: "Tolerated"; PolyPhen-2: "Possibly Damaging"; Align-GVGD: "Class C0"). In summary, the available evidence is currently insufficient to determine the role of this variant in disease. Therefore, it has been classified as a Variant of Uncertain Significance.

NM_004484.4(GPC3):c.97G>A (p.Ala33Thr)

Gene: GPC3 (glypican 3; minus strand). Cytogenetic location: Xq26.2.
Variant type: single nucleotide variant.
Coding change: c.97G>A on transcript NM_004484.4 (MANE Select); coding-DNA position 97, G replaced by A.
Protein change: p.Ala33Thr; replaces alanine 33 with threonine.
Molecular consequence: missense variant.
Genome position (GRCh38, 1-based): chrX:133,985,353, C>T on the plus strand (G>A on the coding strand, the complement: GPC3 is on the minus strand). VCF-style: chrX-133985353-C-T. GRCh37 (hg19) VCF-style: chrX-133119380-C-T.
Other names: c.97G>A, p.Ala33Thr (NM_001164617.2, NM_001164618.2, NM_001164619.2); short protein forms A33T.
Identifiers: ClinVar variation 1930937 (VCV001930937.5), dbSNP rs2124655722, ClinGen allele CA414707046.
Genomic context (GRCh38, chrX:133,985,353, plus strand): 5'-GCACCCACTTGAGTCCGGGCTGCAGTCTCTGGAAGAAGGAGCGGACTTGGTGACAGGTGG[C>T]GTCCGGCGGCGGCGGCGGGGGCTGCGCCTGTCCCGGGAAGTCCAAGCTGAGCAGCATCGC-3'
Protein context (NP_004475.1, residues 23-43): QAQPPPPPPD[Ala33Thr]TCHQVRSFFQ